The following is an entry in ClinVar:

NM_033026.6(PCLO):c.586G>A (p.Val196Ile)

Gene: PCLO (piccolo presynaptic cytomatrix protein; minus strand). Cytogenetic location: 7q21.11.
Variant type: single nucleotide variant.
Coding change: c.586G>A on transcript NM_033026.6 (MANE Select); coding-DNA position 586, G replaced by A.
Protein change: p.Val196Ile; replaces valine 196 with isoleucine.
Molecular consequence: missense variant.
Genome position (GRCh38, 1-based): chr7:83,156,055, C>T on the plus strand (G>A on the coding strand, the complement: PCLO is on the minus strand). VCF-style: chr7-83156055-C-T. GRCh37 (hg19) VCF-style: chr7-82785371-C-T.
Other names: c.586G>A, p.Val196Ile (NM_014510.3); short protein forms V196I.
Identifiers: ClinVar variation 1363185 (VCV001363185.8), dbSNP rs143264629, ClinGen allele CA4321640.
Genomic context (GRCh38, chr7:83,156,055, plus strand): 5'-GTGGCTGTTGTTGTAAAGGAGGTTTTATGATTCCTTCAGGTTTTCCTTGCTCCTTCTGAA[C>T]CACTTTTTGTTTCTTGGTGGTTTCTTCCTGGGATGCCTCAGAGTCTGATATCAAATCAAA-3'
Protein context (NP_149015.2, residues 186-206): QEETTKKQKV[Val196Ile]QKEQGKPEGI

ClinVar aggregate classification (germline): Uncertain significance (1 of 4 stars; one submission).

gnomAD v4.1: 5 of 1,613,206 alleles (0.00031%); highest among the groups gnomAD compares: Non-Finnish European, 0.00042%; no homozygotes.

Submission:

Labcorp Genetics (formerly Invitae), Labcorp
Classification: Uncertain significance. Last evaluated: 2021-06-22. Review status: criteria provided, single submitter. Criteria: Invitae Variant Classification Sherloc (09022015). Collection method: clinical testing. Allele origin: germline.
Comment: In summary, the available evidence is currently insufficient to determine the role of this variant in disease. Therefore, it has been classified as a Variant of Uncertain Significance. Algorithms developed to predict the effect of missense changes on protein structure and function are either unavailable or do not agree on the potential impact of this missense change (SIFT: "Tolerated"; PolyPhen-2: "Not Available"; Align-GVGD: "Class C0"). This variant has not been reported in the literature in individuals with PCLO-related conditions. This variant is present in population databases (rs143264629, ExAC 0.003%). This sequence change replaces valine with isoleucine at codon 196 of the PCLO protein (p.Val196Ile). The valine residue is weakly conserved and there is a small physicochemical difference between valine and isoleucine.